The following is an entry in ClinVar:

NM_001370259.2(MEN1):c.93G>C (p.Glu31Asp)

Gene: MEN1 (menin 1; minus strand). Cytogenetic location: 11q13.1.
Variant type: single nucleotide variant.
Coding change: c.93G>C on transcript NM_001370259.2 (MANE Select); coding-DNA position 93, G replaced by C.
Protein change: p.Glu31Asp; replaces glutamic acid 31 with aspartic acid.
Molecular consequence: missense variant. On other transcripts: non-coding transcript variant (4).
Genome position (GRCh38, 1-based): chr11:64,810,017, C>G on the plus strand (G>C on the coding strand, the complement: MEN1 is on the minus strand). VCF-style: chr11-64810017-C-G. GRCh37 (hg19) VCF-style: chr11-64577489-C-G.
Other names: c.93G>C, p.Glu31Asp (NM_001407145.1, NM_001407146.1, NM_001407147.1 and 20 more transcripts); short protein forms E31D.
Identifiers: ClinVar variation 3387025 (VCV003387025.1).

ClinVar aggregate classification (germline): Uncertain significance (1 of 4 stars; one submission).

Conditions:
Multiple endocrine neoplasia, type 1 (MEN1). Also called: MEN I; WERMER SYNDROME; Endocrine adenomatosis multiple; MEN 1; MEA I. Identifiers: Orphanet 652, MedGen C0025267, MeSH D018761, MONDO:0007540, OMIM 131100.

Submission:

All of Us Research Program, National Institutes of Health
Classification: Uncertain significance for Multiple endocrine neoplasia, type 1. Last evaluated: 2024-09-23. Review status: criteria provided, single submitter. Criteria: ACMG Guidelines, 2015. Collection method: clinical testing. Allele origin: germline. Inheritance: Autosomal dominant inheritance. Observed: 1 variant allele, 1 heterozygote.
Comment: This study involves interpretation of variants in research participants for the purpose of population health screening. Participant phenotype was not available at the time of variant classification. Additional details can be found in publication PMID: 35346344, PMCID: PMC8962531